The following is an entry in ClinVar:

NM_001378452.1(ITPR1):c.1915G>A (p.Val639Ile)

Gene: ITPR1 (inositol 1,4,5-trisphosphate receptor type 1; plus strand). Cytogenetic location: 3p26.1.
Variant type: single nucleotide variant.
Coding change: c.1915G>A on transcript NM_001378452.1 (MANE Select); coding-DNA position 1915, G replaced by A.
Protein change: p.Val639Ile; replaces valine 639 with isoleucine.
Molecular consequence: missense variant.
Genome position (GRCh38, 1-based): chr3:4,669,682, G>A. VCF-style: chr3-4669682-G-A. GRCh37 (hg19) VCF-style: chr3-4711366-G-A.
Other names: c.1915G>A, p.Val639Ile (NM_001099952.4); c.1870G>A, p.Val624Ile (NM_001168272.2, NM_002222.7); short protein forms V624I, V639I.
Identifiers: ClinVar variation 2132726 (VCV002132726.4), dbSNP rs376189314, ClinGen allele CA2231307.

ClinVar aggregate classification (germline): Uncertain significance (1 of 4 stars; one submission).

Allele frequency attached by ClinVar (database versions not stated): gnomAD exomes below 0.00001; ExAC 0.00001; TOPMed 0.00002; gnomAD 0.00003; ESP Exome Variant Server 0.00008.
gnomAD v4.1: 6 of 1,612,942 alleles (0.00037%); highest among the groups gnomAD compares: African/African-American, 0.0067%; no homozygotes.

Submission:

Labcorp Genetics (formerly Invitae), Labcorp
Classification: Uncertain significance. Last evaluated: 2022-05-16. Review status: criteria provided, single submitter. Criteria: Invitae Variant Classification Sherloc (09022015). Collection method: clinical testing. Allele origin: germline.
Comment: In summary, the available evidence is currently insufficient to determine the role of this variant in disease. Therefore, it has been classified as a Variant of Uncertain Significance. Algorithms developed to predict the effect of missense changes on protein structure and function are either unavailable or do not agree on the potential impact of this missense change (SIFT: "Deleterious"; PolyPhen-2: "Benign"; Align-GVGD: "Class C0"). This variant has not been reported in the literature in individuals affected with ITPR1-related conditions. This variant is present in population databases (rs376189314, gnomAD 0.02%). This sequence change replaces valine, which is neutral and non-polar, with isoleucine, which is neutral and non-polar, at codon 624 of the ITPR1 protein (p.Val624Ile).